The following is an entry in ClinVar:

ClinVar aggregate classification (germline): Uncertain significance (1 of 4 stars; one submission).

Conditions:
Inborn genetic diseases. Identifiers: MedGen C0950123, MeSH D030342.

Allele frequency attached by ClinVar (database versions not stated): gnomAD exomes below 0.00001.

Submission:

Ambry Genetics
Classification: Uncertain significance for Inborn genetic diseases. Last evaluated: 2023-02-20. Review status: criteria provided, single submitter. Criteria: Ambry Variant Classification Scheme 2023. Collection method: clinical testing. Allele origin: germline.
Comment: The p.V270M variant (also known as c.808G>A), located in coding exon 8 of the AKT1 gene, results from a G to A substitution at nucleotide position 808. The valine at codon 270 is replaced by methionine, an amino acid with highly similar properties. This amino acid position is conserved. In addition, the in silico prediction for this alteration is inconclusive. Since supporting evidence is limited at this time, the clinical significance of this alteration remains unclear.

NM_001382430.1(AKT1):c.808G>A (p.Val270Met)

Gene: AKT1 (AKT serine/threonine kinase 1; minus strand). Cytogenetic location: 14q32.33.
Variant type: single nucleotide variant.
Coding change: c.808G>A on transcript NM_001382430.1 (MANE Select); coding-DNA position 808, G replaced by A.
Protein change: p.Val270Met; replaces valine 270 with methionine.
Molecular consequence: missense variant.
Genome position (GRCh38, 1-based): chr14:104,773,475, C>T on the plus strand (G>A on the coding strand, the complement: AKT1 is on the minus strand). VCF-style: chr14-104773475-C-T. GRCh37 (hg19) VCF-style: chr14-105239812-C-T.
Other names: c.808G>A, p.Val270Met (NM_001014431.2, NM_001014432.2, NM_001382431.1 and 3 more transcripts); short protein forms V270M.
Identifiers: ClinVar variation 2496650 (VCV002496650.2), dbSNP rs1390179436, ClinGen allele CA391218234.